The following is an entry in ClinVar:

ClinVar aggregate classification (germline): Likely pathogenic. Review status: criteria provided, multiple submitters, no conflicts (2 of 4 stars). 2 submissions from 2 submitters: Likely pathogenic (2). Last evaluated 2023-12-30.

Conditions:
Sucrase-isomaltase deficiency (CSID). Also called: Congenital sucrose isomaltose malabsorption; Sucrose isomaltose enzyme deficiency; Deficiency of isomaltase; SI DEFICIENCY. Identifiers: Orphanet 35122, MedGen C1283620, MONDO:0009114, OMIM 222900.

Allele frequency attached by ClinVar (database versions not stated): ExAC 0.00001; gnomAD exomes 0.00001; gnomAD 0.00004; TOPMed 0.00005.
gnomAD v4.1: 23 of 1,587,218 alleles (0.0014%); highest among the groups gnomAD compares: African/African-American, 0.0027%; no homozygotes.

Submissions (2):

Fulgent Genetics
Classification: Likely pathogenic for Sucrase-isomaltase deficiency. Last evaluated: 2023-12-30. Review status: criteria provided, single submitter. Criteria: ACMG Guidelines, 2015. Collection method: clinical testing. Allele origin: germline.

Labcorp Genetics (formerly Invitae), Labcorp
Classification: Likely pathogenic. Last evaluated: 2022-10-01. Review status: criteria provided, single submitter. Criteria: Invitae Variant Classification Sherloc (09022015). Collection method: clinical testing. Allele origin: germline.
Comment: This variant has not been reported in the literature in individuals affected with SI-related conditions. In summary, the currently available evidence indicates that the variant is pathogenic, but additional data are needed to prove that conclusively. Therefore, this variant has been classified as Likely Pathogenic. Algorithms developed to predict the effect of sequence changes on RNA splicing suggest that this variant may disrupt the consensus splice site. ClinVar contains an entry for this variant (Variation ID: 1518910). This variant is present in population databases (rs772671498, gnomAD 0.007%). This sequence change affects a donor splice site in intron 4 of the SI gene. It is expected to disrupt RNA splicing. Variants that disrupt the donor or acceptor splice site typically lead to a loss of protein function (PMID: 16199547), and loss-of-function variants in SI are known to be pathogenic (PMID: 16329100, 23103650, 25452324).

Literature cited by the submitters: PubMed 16199547 (cited by Labcorp Genetics (formerly Invitae), Labcorp); PubMed 16329100 (cited by Labcorp Genetics (formerly Invitae), Labcorp); PubMed 23103650 (cited by Labcorp Genetics (formerly Invitae), Labcorp); PubMed 25452324 (cited by Labcorp Genetics (formerly Invitae), Labcorp).

NM_001041.4(SI):c.373+1G>A

Gene: SI (sucrase-isomaltase; minus strand). Cytogenetic location: 3q26.1.
Variant type: single nucleotide variant.
Coding change: c.373+1G>A on transcript NM_001041.4 (MANE Select); the canonical splice donor site of the intron after coding-DNA position 373, G replaced by A.
Molecular consequence: splice donor variant.
Genome position (GRCh38, 1-based): chr3:165,069,077, C>T on the plus strand (G>A on the coding strand, the complement: SI is on the minus strand). VCF-style: chr3-165069077-C-T. GRCh37 (hg19) VCF-style: chr3-164786865-C-T.
Identifiers: ClinVar variation 1518910 (VCV001518910.7), dbSNP rs772671498, ClinGen allele CA2691534.
Genomic context (GRCh38, chr3:165,069,077, plus strand): 5'-CCACATTTTCGCTCCAGTTAGAATATATCATATTGAATCATTATAACAGAGGACTTCTTA[C>T]CAATACTTGTTGTTGTCATGTCTTGAACGTTATAACCATGATTATCAACGAAGAAGCACC-3'